The following is an entry in ClinVar:

NM_001130438.3(SPTAN1):c.1162G>A (p.Glu388Lys)

Gene: SPTAN1 (spectrin alpha, non-erythrocytic 1; plus strand). Cytogenetic location: 9q34.11.
Variant type: single nucleotide variant.
Coding change: c.1162G>A on transcript NM_001130438.3 (MANE Select); coding-DNA position 1162, G replaced by A.
Protein change: p.Glu388Lys; replaces glutamic acid 388 with lysine.
Molecular consequence: missense variant.
Genome position (GRCh38, 1-based): chr9:128,578,186, G>A. VCF-style: chr9-128578186-G-A. GRCh37 (hg19) VCF-style: chr9-131340465-G-A.
Other names: c.1162G>A, p.Glu388Lys (NM_001195532.2, NM_001363759.2, NM_001363765.2 and 5 more transcripts); c.1198G>A, p.Glu400Lys (NM_001375312.2, NM_001375318.1); short protein forms E388K, E400K.
Identifiers: ClinVar variation 1311382 (VCV001311382.2), dbSNP rs2131029996, ClinGen allele CA375051768.

ClinVar aggregate classification (germline): Uncertain significance (1 of 4 stars; one submission).

Submission:

GeneDx
Classification: Uncertain significance. Last evaluated: 2019-12-24. Review status: criteria provided, single submitter. Criteria: GeneDx Variant Classification Process June 2021. Collection method: clinical testing. Allele origin: germline. Affected: yes.
Comment: Not observed in large population cohorts (Lek et al., 2016); In silico analysis, which includes protein predictors and evolutionary conservation, supports a deleterious effect; Has not been previously published as pathogenic or benign to our knowledge